The following is an entry in ClinVar:

ClinVar aggregate classification (germline): Pathogenic (1 of 4 stars; one submission).

Conditions:
Fanconi anemia (FA). Also called: Fanconi's anemia. Identifiers: Orphanet 84, MedGen C0015625, MeSH D005199, MONDO:0019391.

Submission:

Labcorp Genetics (formerly Invitae), Labcorp
Classification: Pathogenic for Fanconi anemia. Last evaluated: 2021-04-27. Review status: criteria provided, single submitter. Criteria: Invitae Variant Classification Sherloc (09022015). Collection method: clinical testing. Allele origin: germline.
Comment: For these reasons, this variant has been classified as Pathogenic. This variant disrupts the C-terminus of the FANCC protein. Other variant(s) that disrupt this region (p.Arg548*) have been determined to be pathogenic (PMID: 8103176, 24584348, 8882868). This suggests that variants that disrupt this region of the protein are likely to be causative of disease. This variant has not been reported in the literature in individuals with FANCC-related conditions. This variant results in the deletion of exon 15 and part of exon 14 (c.1343_*2370del) of the FANCC gene. While this deletion is not anticipated to lead to nonsense mediated decay, it is expected to alter mRNA translation or result in a truncated protein product.

Literature cited by the submitters: PubMed 8103176; PubMed 24584348; PubMed 8882868.

NC_000009.11:g.(?_97861619)_(97869538_?)del

Gene: FANCC (FA complementation group C; minus strand). Cytogenetic location: 9q22.32.
Variant type: Deletion.
Identifiers: ClinVar variation 1459304 (VCV001459304.6).